The following is an entry in ClinVar:

ClinVar aggregate classification (germline): Uncertain significance (1 of 4 stars; one submission).

Conditions:
Inborn genetic diseases. Identifiers: MedGen C0950123, MeSH D030342.

Submission:

Ambry Genetics
Classification: Uncertain significance for Inborn genetic diseases. Last evaluated: 2026-04-18. Review status: criteria provided, single submitter. Criteria: Ambry Variant Classification Scheme 2023. Collection method: clinical testing. Allele origin: germline.
Comment: The p.D403V variant (also known as c.1208A>T), located in coding exon 1 of the SAMD9 gene, results from an A to T substitution at nucleotide position 1208. The aspartic acid at codon 403 is replaced by valine, an amino acid with highly dissimilar properties. This amino acid position is conserved. In addition, the in silico prediction for this alteration is inconclusive. Based on the available evidence, the clinical significance of this variant remains unclear.

NM_017654.4(SAMD9):c.1208A>T (p.Asp403Val)

Gene: SAMD9 (sterile alpha motif domain containing 9; minus strand). Cytogenetic location: 7q21.2.
Variant type: single nucleotide variant.
Coding change: c.1208A>T on transcript NM_017654.4 (MANE Select); coding-DNA position 1208, A replaced by T.
Protein change: p.Asp403Val; replaces aspartic acid 403 with valine.
Molecular consequence: missense variant.
Genome position (GRCh38, 1-based): chr7:93,104,890, T>A on the plus strand (A>T on the coding strand, the complement: SAMD9 is on the minus strand). VCF-style: chr7-93104890-T-A. GRCh37 (hg19) VCF-style: chr7-92734203-T-A.
Other names: c.1208A>T, p.Asp403Val (NM_001193307.2); short protein forms D403V.
Identifiers: ClinVar variation 4863819 (VCV004863819.1).
Genomic context (GRCh38, chr7:93,104,890, plus strand): 5'-TCTGGGTGGCATTTATTTGTTACAAGAATGTACTGTTCATAGTATGAATTATCTAACAAA[T>A]CTTGATTTCCTGTCAATAATTTAACCAACTTTGGTCCCTCTCTTTCTTTTTTATTTGTTT-3'
Protein context (NP_060124.2, residues 393-413): KLVKLLTGNQ[Asp403Val]LLDNSYYEQY